The following is an entry in ClinVar:

NM_000123.4(ERCC5):c.3310G>C (p.Asp1104His)

Genes: BIVM-ERCC5 (BIVM-ERCC5 readthrough; plus strand), ERCC5 (ERCC excision repair 5, endonuclease; plus strand). Cytogenetic location: 13q33.1.
Variant type: single nucleotide variant.
Coding change: c.3310G>C on transcript NM_000123.4 (MANE Select); coding-DNA position 3310, G replaced by C.
Protein change: p.Asp1104His; replaces aspartic acid 1104 with histidine.
Molecular consequence: missense variant.
Genome position (GRCh38, 1-based): chr13:102,875,652, G>C. VCF-style: chr13-102875652-G-C. GRCh37 (hg19) VCF-style: chr13-103528002-G-C.
Other names: c.4672G>C, p.Asp1558His (NM_001204425.2); c.4672G>C (NM_001204425.1); short protein forms D1104H, D1558H.
Identifiers: ClinVar variation 129011 (VCV000129011.26), dbSNP rs17655, ClinGen allele CA152768.

ClinVar aggregate classification (germline): Benign. Review status: criteria provided, multiple submitters, no conflicts (2 of 4 stars). 12 submissions from 11 submitters: Benign (10). 2 of the submissions do not count toward it. Last evaluated 2026-02-04.

Conditions:
Xeroderma pigmentosum, group G (XPG). Also called: Xeroderma pigmentosum type 7; XERODERMA PIGMENTOSUM VII; XP, GROUP G; ERCC5-Related Xeroderma Pigmentosum. Identifiers: MedGen C0268141, MONDO:0010216, OMIM 278780.
Cerebrooculofacioskeletal syndrome 3 (COFS3). Identifiers: MedGen C1851443, MONDO:0014696, OMIM 616570.

Allele frequency attached by ClinVar (database versions not stated): gnomAD exomes 0.23587 and 0.27759; ExAC 0.27768; gnomAD 0.30357 and 0.30419; ESP Exome Variant Server 0.30578; TOPMed 0.31985; 1000 Genomes Project 0.36142; 1000 Genomes Project 30x 0.36290.
gnomAD v4.1: 392,350 of 1,613,874 alleles (24%); highest among the groups gnomAD compares: East Asian, 53%; 52,612 homozygotes.

Submissions (12):

Labcorp Genetics (formerly Invitae), Labcorp
Classification: Benign. Last evaluated: 2026-02-04. Review status: criteria provided, single submitter. Criteria: Invitae Variant Classification Sherloc (09022015). Collection method: clinical testing. Allele origin: germline.

KCCC/NGS Laboratory, Kuwait Cancer Control Center
Classification: Benign for Xeroderma pigmentosum, group G. Last evaluated: 2025-02-01. Review status: criteria provided, single submitter. Criteria: ACMG Guidelines, 2015. Collection method: clinical testing. Allele origin: germline. Affected: no.

Blueprint Genetics
Classification: Benign. Last evaluated: 2024-11-27. Review status: criteria provided, single submitter. Criteria: ACMG Guidelines, 2015. Collection method: clinical testing. Allele origin: germline.

Genome-Nilou Lab
Classification: Benign for Cerebrooculofacioskeletal syndrome 3. Last evaluated: 2021-07-30. Review status: criteria provided, single submitter. Criteria: ACMG Guidelines, 2015. Collection method: clinical testing. Allele origin: germline. Affected: no.

Genome-Nilou Lab
Classification: Benign for Xeroderma pigmentosum, group G. Last evaluated: 2021-07-30. Review status: criteria provided, single submitter. Criteria: ACMG Guidelines, 2015. Collection method: clinical testing. Allele origin: germline. Affected: no.

GeneDx
Classification: Benign. Last evaluated: 2018-11-10. Review status: criteria provided, single submitter. Criteria: GeneDx Variant Classification Process June 2021. Collection method: clinical testing. Allele origin: germline. Affected: yes.
Comment: This variant is associated with the following publications: (PMID: 16738949, 21390047, 24728327, 22815677, 14729591, 27153395, 24802942)

Illumina Laboratory Services, Illumina
Classification: Benign for Xeroderma pigmentosum, group G. Last evaluated: 2018-03-06. Review status: criteria provided, single submitter. Criteria: ICSL Variant Classification Criteria 13 December 2019. Collection method: clinical testing. Allele origin: germline.
Comment: This variant was observed in the ICSL laboratory as part of a predisposition screen in an ostensibly healthy population. It had not been previously curated by ICSL or reported in the Human Gene Mutation Database (HGMD: prior to June 1st, 2018), and was therefore a candidate for classification through an automated scoring system. Utilizing variant allele frequency, disease prevalence and penetrance estimates, and inheritance mode, an automated score was calculated to assess if this variant is too frequent to cause the disease. Based on the score and internal cut-off values, a variant classified as benign is not then subjected to further curation. The score for this variant resulted in a classification of benign for this disease.

Clinical Genetics DNA and cytogenetics Diagnostics Lab, Erasmus MC, Erasmus Medical Center
Classification: Benign for Xeroderma pigmentosum, group G. Last evaluated: 2015-09-21. Review status: criteria provided, single submitter. Criteria: ACGS Guidelines, 2013. Collection method: clinical testing. Allele origin: germline. Affected: yes. Study: VKGL Data-share Consensus.

Breakthrough Genomics
Classification: Benign. Review status: criteria provided, single submitter. Criteria: ACMG Guidelines, 2015. Collection method: not provided. Allele origin: germline. Inheritance: Autosomal recessive inheritance. Affected: yes.

PreventionGenetics, part of Exact Sciences
Classification: Benign. Review status: criteria provided, single submitter. Criteria: ACMG Guidelines, 2015. Collection method: clinical testing. Allele origin: germline.

ITMI
No classification provided. Condition: AllHighlyPenetrant. Last evaluated: 2013-09-19. Review status: no classification provided. Collection method: reference population. Allele origin: germline. Not counted in ClinVar's aggregate classification.
Comment: Please see associated publication for description of ethnicities

Genetic Services Laboratory, University of Chicago
Classification: Likely benign for AllHighlyPenetrant. Review status: no assertion criteria provided. Collection method: clinical testing. Allele origin: germline. Inheritance: Autosomal recessive inheritance. Not counted in ClinVar's aggregate classification.
Comment: Likely benign based on allele frequency in 1000 Genomes Project or ESP global frequency and its presence in a patient with a rare or unrelated disease phenotype. NOT Sanger confirmed.

Literature cited by the submitters: PubMed 24728327 (cited by ITMI).